The following is an entry in ClinVar:

ClinVar aggregate classification (germline): Pathogenic (1 of 4 stars; one submission).

Submission:

Labcorp Genetics (formerly Invitae), Labcorp
Classification: Pathogenic. Last evaluated: 2024-02-16. Review status: criteria provided, single submitter. Criteria: Invitae Variant Classification Sherloc (09022015). Collection method: clinical testing. Allele origin: germline.
Comment: This sequence change creates a premature translational stop signal (p.Trp29*) in the CTSK gene. It is expected to result in an absent or disrupted protein product. Loss-of-function variants in CTSK are known to be pathogenic (PMID: 12125807, 21569238). This variant is not present in population databases (gnomAD no frequency). This premature translational stop signal has been observed in individual(s) with CTSK-related conditions (PMID: 25731711). For these reasons, this variant has been classified as Pathogenic.

Literature cited by the submitters: PubMed 12125807; PubMed 21569238; PubMed 25731711.

NM_000396.4(CTSK):c.87G>A (p.Trp29Ter)

Gene: CTSK (cathepsin K; minus strand). Cytogenetic location: 1q21.3.
Variant type: single nucleotide variant.
Coding change: c.87G>A on transcript NM_000396.4 (MANE Select); coding-DNA position 87, G replaced by A.
Protein change: p.Trp29Ter; replaces tryptophan 29 with a stop codon.
Molecular consequence: nonsense.
Genome position (GRCh38, 1-based): chr1:150,806,719, C>T on the plus strand (G>A on the coding strand, the complement: CTSK is on the minus strand). VCF-style: chr1-150806719-C-T. GRCh37 (hg19) VCF-style: chr1-150779195-C-T.
Other names: short protein forms W29*.
Identifiers: ClinVar variation 3720241 (VCV003720241.2).